The following is an entry in ClinVar:

ClinVar aggregate classification (germline): Uncertain significance (1 of 4 stars; one submission).

Conditions:
Hereditary cancer-predisposing syndrome. Also called: Neoplastic Syndromes, Hereditary; Hereditary Cancer Syndrome; Hereditary neoplastic syndrome; Tumor predisposition. Identifiers: Orphanet 140162, MedGen C0027672, MeSH D009386, MONDO:0015356.

Submission:

Ambry Genetics
Classification: Uncertain significance for Hereditary cancer-predisposing syndrome. Last evaluated: 2023-03-23. Review status: criteria provided, single submitter. Criteria: Ambry Variant Classification Scheme 2023. Collection method: clinical testing. Allele origin: germline.
Comment: The c.1896+4A>G intronic variant results from an A to G substitution 4 nucleotides after coding exon 13 in the MSH3 gene. This nucleotide position is highly conserved in available vertebrate species. In silico splice site analysis predicts that this alteration may weaken the native splice donor site; however, direct evidence is insufficient at this time (Ambry internal data). Since supporting evidence is limited at this time, the clinical significance of this alteration remains unclear.

NM_002439.5(MSH3):c.1896+4A>G

Gene: MSH3 (mutS homolog 3; plus strand). Cytogenetic location: 5q14.1.
Variant type: single nucleotide variant.
Coding change: c.1896+4A>G on transcript NM_002439.5 (MANE Select); 4 bases into the intron after coding-DNA position 1896, A replaced by G.
Molecular consequence: intron variant.
Genome position (GRCh38, 1-based): chr5:80,761,682, A>G. VCF-style: chr5-80761682-A-G. GRCh37 (hg19) VCF-style: chr5-80057501-A-G.
Identifiers: ClinVar variation 2565631 (VCV002565631.2), dbSNP rs2112880095, ClinGen allele CA2580613583.